The following is an entry in ClinVar:

ClinVar aggregate classification (germline): Pathogenic (1 of 4 stars; one submission).

Conditions:
Multiple congenital exostosis (EXT). Also called: Hereditary multiple osteochondromas; MULTIPLE CARTILAGINOUS EXOSTOSES; Hereditary multiple exostoses; Hereditary multiple exostosis; Multiple osteochondromas; Multiple exostoses. Identifiers: Orphanet 321, MedGen C0015306, MONDO:0005508, HP:0002762.

Submission:

Labcorp Genetics (formerly Invitae), Labcorp
Classification: Pathogenic for Multiple congenital exostosis. Last evaluated: 2025-12-04. Review status: criteria provided, single submitter. Criteria: Invitae Variant Classification Sherloc (09022015). Collection method: clinical testing. Allele origin: germline.
Comment: This sequence change creates a premature translational stop signal (p.Asn254Glnfs*35) in the EXT1 gene. It is expected to result in an absent or disrupted protein product. Loss-of-function variants in EXT1 are known to be pathogenic (PMID: 10679937, 11391482, 19810120). This variant is not present in population databases (gnomAD no frequency). This variant has not been reported in the literature in individuals affected with EXT1-related conditions. For these reasons, this variant has been classified as Pathogenic.

Literature cited by the submitters: PubMed 10679937; PubMed 11391482; PubMed 19810120.

NM_000127.3(EXT1):c.759dup (p.Asn254fs)

Gene: EXT1 (exostosin glycosyltransferase 1; minus strand). Cytogenetic location: 8q24.11.
Variant type: Duplication.
Coding change: c.759dup on transcript NM_000127.3 (MANE Select); coding-DNA position 759, one base duplicated (C; older notation c.759dupC).
Protein change: p.Asn254fs; shifts the reading frame from asparagine 254.
Molecular consequence: frameshift variant.
Genome position (GRCh38, 1-based): chr8:118,110,288, G duplicated on the plus strand (C on the coding strand, the reverse complement: EXT1 is on the minus strand). VCF-style (leftmost placement, unchanged base first): chr8-118110287-T-TG. GRCh37 (hg19) VCF-style: chr8-119122526-T-TG.
Other names: short protein forms N254fs.
Identifiers: ClinVar variation 4731916 (VCV004731916.1).